The following is an entry in ClinVar:

NM_001041.4(SI):c.4283C>G (p.Thr1428Ser)

Gene: SI (sucrase-isomaltase; minus strand). Cytogenetic location: 3q26.1.
Variant type: single nucleotide variant.
Coding change: c.4283C>G on transcript NM_001041.4 (MANE Select); coding-DNA position 4283, C replaced by G.
Protein change: p.Thr1428Ser; replaces threonine 1428 with serine.
Molecular consequence: missense variant.
Genome position (GRCh38, 1-based): chr3:165,006,939, G>C on the plus strand (C>G on the coding strand, the complement: SI is on the minus strand). VCF-style: chr3-165006939-G-C. GRCh37 (hg19) VCF-style: chr3-164724727-G-C.
Other names: short protein forms T1428S.
Identifiers: ClinVar variation 1406138 (VCV001406138.8), dbSNP rs1718541372, ClinGen allele CA355032571.

ClinVar aggregate classification (germline): Uncertain significance (1 of 4 stars; one submission).

Submission:

Labcorp Genetics (formerly Invitae), Labcorp
Classification: Uncertain significance. Last evaluated: 2021-03-26. Review status: criteria provided, single submitter. Criteria: Invitae Variant Classification Sherloc (09022015). Collection method: clinical testing. Allele origin: germline.
Comment: This variant is not present in population databases (ExAC no frequency). In summary, the available evidence is currently insufficient to determine the role of this variant in disease. Therefore, it has been classified as a Variant of Uncertain Significance. Advanced modeling of protein sequence and biophysical properties (such as structural, functional, and spatial information, amino acid conservation, physicochemical variation, residue mobility, and thermodynamic stability) performed at Invitae indicates that this missense variant is not expected to disrupt SI protein function. This variant has not been reported in the literature in individuals with SI-related conditions. This sequence change replaces threonine with serine at codon 1428 of the SI protein (p.Thr1428Ser). The threonine residue is moderately conserved and there is a small physicochemical difference between threonine and serine.